The following is an entry in ClinVar:

NM_018036.7(ATG2B):c.1405C>G (p.Gln469Glu)

Gene: ATG2B (autophagy related 2B; minus strand). Cytogenetic location: 14q32.2.
Variant type: single nucleotide variant.
Coding change: c.1405C>G on transcript NM_018036.7 (MANE Select); coding-DNA position 1405, C replaced by G.
Protein change: p.Gln469Glu; replaces glutamine 469 with glutamic acid.
Molecular consequence: missense variant.
Genome position (GRCh38, 1-based): chr14:96,332,368, G>C on the plus strand (C>G on the coding strand, the complement: ATG2B is on the minus strand). VCF-style: chr14-96332368-G-C. GRCh37 (hg19) VCF-style: chr14-96798705-G-C.
Other names: short protein forms Q469E.
Identifiers: ClinVar variation 3036620 (VCV003036620.2), dbSNP rs201880070, ClinGen allele CA7336733.

ClinVar aggregate classification (germline): Likely benign (0 of 4 stars; one submission).

Conditions:
ATG2B-related disorder. Also called: ATG2B-related condition.

Allele frequency attached by ClinVar (database versions not stated): TOPMed 0.00010; gnomAD 0.00017; gnomAD exomes 0.00028; ExAC 0.00035; 1000 Genomes Project 0.00040; 1000 Genomes Project 30x 0.00047.
gnomAD v4.1: 422 of 1,613,908 alleles (0.026%); highest among the groups gnomAD compares: East Asian, 0.92%; 4 homozygotes.

Submission:

PreventionGenetics, part of Exact Sciences
Classification: Likely benign for ATG2B-related condition. Last evaluated: 2023-04-08. Review status: no assertion criteria provided. Collection method: clinical testing. Allele origin: germline.
Comment: This variant is classified as likely benign based on ACMG/AMP sequence variant interpretation guidelines (Richards et al. 2015 PMID: 25741868, with internal and published modifications).